The following is an entry in ClinVar:

ClinVar aggregate classification (germline): Uncertain significance (1 of 4 stars; one submission).

Conditions:
Cystic fibrosis (CF). Also called: MUCOVISCIDOSIS. Identifiers: Orphanet 586, MedGen C0010674, MONDO:0009061, OMIM 219700. Disease mechanism: loss of function.

Submission:

Ambry Genetics
Classification: Uncertain significance for Cystic fibrosis. Last evaluated: 2025-11-10. Review status: criteria provided, single submitter. Criteria: Ambry Variant Classification Scheme 2023. Collection method: clinical testing. Allele origin: germline.
Comment: The p.K1420T variant (also known as c.4259A>C), located in coding exon 27 of the CFTR gene, results from an A to C substitution at nucleotide position 4259. The lysine at codon 1420 is replaced by threonine, an amino acid with similar properties. This amino acid position is conserved. In addition, this alteration is predicted to be tolerated by in silico analysis. Based on the available evidence, the clinical significance of this variant remains unclear.

NM_000492.4(CFTR):c.4259A>C (p.Lys1420Thr)

Genes: CFTR (CF transmembrane conductance regulator; plus strand), LOC111674477 (CFTR intron 23 enhancer; plus strand). Cytogenetic location: 7q31.2.
Variant type: single nucleotide variant.
Coding change: c.4259A>C on transcript NM_000492.4 (MANE Select); coding-DNA position 4259, A replaced by C.
Protein change: p.Lys1420Thr; replaces lysine 1420 with threonine.
Molecular consequence: missense variant.
Genome position (GRCh38, 1-based): chr7:117,666,924, A>C. VCF-style: chr7-117666924-A-C. GRCh37 (hg19) VCF-style: chr7-117306978-A-C.
Other names: short protein forms K1420T.
Identifiers: ClinVar variation 4649971 (VCV004649971.1).